The following is an entry in ClinVar:

ClinVar aggregate classification (germline): Uncertain significance (1 of 4 stars; one submission).

Conditions:
Familial isolated arrhythmogenic right ventricular dysplasia. Identifiers: Orphanet 217656, MedGen C4274968, MONDO:0016342.

Submission:

All of Us Research Program, National Institutes of Health
Classification: Uncertain significance for Familial isolated arrhythmogenic right ventricular dysplasia. Last evaluated: 2023-06-08. Review status: criteria provided, single submitter. Criteria: ACMG Guidelines, 2015. Collection method: clinical testing. Allele origin: germline. Inheritance: Autosomal dominant inheritance. Observed: 1 variant allele, 1 heterozygote.
Comment: This variant causes an A to C nucleotide substitution at the -2 position of intron 4 of the DSC2 gene. Splice site prediction tools predict that this variant may have a significant impact on RNA splicing. Although this prediction has not been confirmed in published RNA studies, this variant is expected to result in an absent or disrupted protein product. To our knowledge, functional studies have not been reported for this variant. This variant has not been reported in individuals affected with DSC2-related disorders in the literature. This variant has not been identified in the general population by the Genome Aggregation Database (gnomAD). Although there is a suspicion for a pathogenic role, clinical relevance of loss-of-function DSC2 truncation and splice variants in autosomal dominant arrhythmogenic cardiomyopathy is not yet clearly established. The available evidence is insufficient to determine the role of this variant in disease conclusively. Therefore, this variant is classified as a Variant of Uncertain Significance.

This study involves interpretation of variants in research participants for the purpose of population health screening. Participant phenotype was not available at the time of variant classification. Additional details can be found in publication PMID: 35346344, PMCID: PMC8962531

NM_024422.6(DSC2):c.475-2A>C

Gene: DSC2 (desmocollin 2; minus strand). Cytogenetic location: 18q12.1.
Variant type: single nucleotide variant.
Coding change: c.475-2A>C on transcript NM_024422.6 (MANE Select); the canonical splice acceptor site of the intron before coding-DNA position 475, A replaced by C.
Molecular consequence: splice acceptor variant.
Genome position (GRCh38, 1-based): chr18:31,089,596, T>G on the plus strand (A>C on the coding strand, the complement: DSC2 is on the minus strand). VCF-style: chr18-31089596-T-G. GRCh37 (hg19) VCF-style: chr18-28669559-T-G.
Other names: c.475-2A>C (NM_004949.5); c.46-2A>C (NM_001406506.1, NM_001406507.1).
Identifiers: ClinVar variation 3071549 (VCV003071549.1), dbSNP rs2510953937, ClinGen allele CA402113905.